The following is an entry in ClinVar:

NM_001080512.3(BICC1):c.2455C>T (p.Arg819Ter)

Gene: BICC1 (BicC family RNA binding protein 1; plus strand). Cytogenetic location: 10q21.1.
Variant type: single nucleotide variant.
Coding change: c.2455C>T on transcript NM_001080512.3 (MANE Select); coding-DNA position 2455, C replaced by T.
Protein change: p.Arg819Ter; replaces arginine 819 with a stop codon.
Molecular consequence: nonsense.
Genome position (GRCh38, 1-based): chr10:58,813,908, C>T. VCF-style: chr10-58813908-C-T. GRCh37 (hg19) VCF-style: chr10-60573668-C-T.
Other names: short protein forms R819*.
Identifiers: ClinVar variation 1302250 (VCV001302250.3), dbSNP rs1843997098, ClinGen allele CA376981276.
Genomic context (GRCh38, chr10:58,813,908, plus strand): 5'-TCACGGTCCAACAGTCGTGAGCACTTGGGAGGTGGAAGCGAATCTGATAACTGGAGAGAC[C>T]GAAATGGAATTGGACCTGGAAGTCATAGTGAATTTGCAGCTTCTATTGGCAGCCCTAAGC-3'

ClinVar aggregate classification (germline): Uncertain significance (1 of 4 stars; one submission).

gnomAD v4.1: 1 of 1,613,966 alleles (0.000062%); highest among the groups gnomAD compares: Non-Finnish European, 0.000085%; no homozygotes.

Submission:

GeneDx
Classification: Uncertain significance. Last evaluated: 2024-05-16. Review status: criteria provided, single submitter. Criteria: GeneDx Variant Classification Process June 2021. Collection method: clinical testing. Allele origin: germline. Affected: yes.
Comment: Not observed at significant frequency in large population cohorts (gnomAD); Nonsense variant predicted to result in protein truncation or nonsense mediated decay in a gene for which loss-of-function is not a known mechanism of disease; Has not been previously published as pathogenic or benign to our knowledge; Variants in candidate genes are classified as variants of uncertain significance in accordance with ACMG guidelines (PMID: 25741868)